The following is an entry in ClinVar:

ClinVar aggregate classification (germline): Uncertain significance (1 of 4 stars; one submission).

Conditions:
Inborn genetic diseases. Identifiers: MedGen C0950123, MeSH D030342.

Allele frequency attached by ClinVar (database versions not stated): gnomAD exomes below 0.00001; TOPMed below 0.00001.
gnomAD v4.1: 4 of 1,614,108 alleles (0.00025%); highest among the groups gnomAD compares: Non-Finnish European, 0.00034%; no homozygotes.

Submission:

Ambry Genetics
Classification: Uncertain significance for Inborn genetic diseases. Last evaluated: 2023-03-10. Review status: criteria provided, single submitter. Criteria: Ambry Variant Classification Scheme 2023. Collection method: clinical testing. Allele origin: germline.
Comment: The p.D240N variant (also known as c.718G>A), located in coding exon 6 of the EPAS1 gene, results from a G to A substitution at nucleotide position 718. The aspartic acid at codon 240 is replaced by asparagine, an amino acid with highly similar properties. This amino acid position is conserved. In addition, this alteration is predicted to be tolerated by in silico analysis. Since supporting evidence is limited at this time, the clinical significance of this alteration remains unclear.

NM_001430.5(EPAS1):c.718G>A (p.Asp240Asn)

Genes: EPAS1 (endothelial PAS domain protein 1; plus strand), LOC126806210 (BRD4-independent group 4 enhancer GRCh37_chr2:46587586-46588785; plus strand). Cytogenetic location: 2p21.
Variant type: single nucleotide variant.
Coding change: c.718G>A on transcript NM_001430.5 (MANE Select); coding-DNA position 718, G replaced by A.
Protein change: p.Asp240Asn; replaces aspartic acid 240 with asparagine.
Molecular consequence: missense variant.
Genome position (GRCh38, 1-based): chr2:46,361,029, G>A. VCF-style: chr2-46361029-G-A. GRCh37 (hg19) VCF-style: chr2-46588168-G-A.
Other names: short protein forms D240N.
Identifiers: ClinVar variation 2456754 (VCV002456754.2), dbSNP rs1684375205, ClinGen allele CA346700251.